The following is an entry in ClinVar:

ClinVar aggregate classification (germline): Benign/Likely benign. Review status: criteria provided, multiple submitters, no conflicts (2 of 4 stars). 18 submissions from 17 submitters: Benign (11); Likely benign (6). 1 of the submissions does not count toward it. Last evaluated 2026-06-01.

Conditions:
Melanoma, uveal, susceptibility to, 2 (UVM2). Also called: Melanoma, uveal 2. Identifiers: Orphanet 39044, MedGen C1847723, MONDO:0011696, OMIM 606661.
BAP1-related tumor predisposition syndrome (TPDS1). Also called: Tumor susceptibility linked to germline BAP1 mutations; BAP1 tumor predisposition syndrome; COMMON Syndrome; TUMOR PREDISPOSITION SYNDROME 1. Identifiers: Orphanet 289539, MedGen C3280492, MONDO:0013692, OMIM 614327.
Kury-Isidor syndrome (KURIS). Identifiers: MedGen C5676925, MONDO:0859230, OMIM 619762.
Hereditary cancer-predisposing syndrome. Also called: Tumor predisposition; Hereditary neoplastic syndrome; Neoplastic Syndromes, Hereditary; Hereditary Cancer Syndrome. Identifiers: Orphanet 140162, MedGen C0027672, MeSH D009386, MONDO:0015356.

Allele frequency attached by ClinVar (database versions not stated): ExAC 0.00117; ESP Exome Variant Server 0.00292; gnomAD 0.00359 and 0.00377; TOPMed 0.00411; 1000 Genomes Project 0.00419; 1000 Genomes Project 30x 0.00437.

Submissions (18):

CeGaT Center for Human Genetics Tuebingen
Classification: Likely benign. Last evaluated: 2026-06-01. Review status: criteria provided, single submitter. Criteria: CeGaT Center For Human Genetics Tuebingen Variant Classification Criteria Version 2. Collection method: clinical testing. Allele origin: germline. Affected: yes. Observed: 5 variant alleles.
Comment: BAP1: BP4, BS1

Labcorp Genetics (formerly Invitae), Labcorp
Classification: Benign for BAP1-related tumor predisposition syndrome. Last evaluated: 2026-02-04. Review status: criteria provided, single submitter. Criteria: Invitae Variant Classification Sherloc (09022015). Collection method: clinical testing. Allele origin: germline.

Dasa
Classification: Likely benign. Last evaluated: 2025-12-29. Review status: criteria provided, single submitter. Criteria: DASA Assertion Criteria. Collection method: clinical testing. Allele origin: germline.
Comment: NM_004656.4(BAP1):c.1838C>T (p.Thr613Met) is a missense variant that results in the substitution of threonine with methionine. Multiple computational predictions suggest no deleterious effect on the gene or gene product. The variant is present at low frequency in population datasets. Based on the available data, this variant is classified as likely benign.

Quest Diagnostics Nichols Institute San Juan Capistrano
Classification: Benign. Last evaluated: 2025-05-15. Review status: criteria provided, single submitter. Criteria: Quest Diagnostics criteria. Collection method: clinical testing. Allele origin: unknown.

Mayo Clinic Laboratories, Mayo Clinic
Classification: Likely benign. Last evaluated: 2025-05-03. Review status: criteria provided, single submitter. Criteria: ACMG Guidelines, 2015. Collection method: clinical testing. Allele origin: germline. Observed: 2 variant alleles.
Comment: BS1, BP4

Center for Genomic Medicine, Rigshospitalet, Copenhagen University Hospital
Classification: Benign. Last evaluated: 2025-03-04. Review status: criteria provided, single submitter. Criteria: ACMG Guidelines, 2015. Collection method: clinical testing. Allele origin: germline.

KCCC/NGS Laboratory, Kuwait Cancer Control Center
Classification: Benign for BAP1-related tumor predisposition syndrome. Last evaluated: 2025-02-01. Review status: criteria provided, single submitter. Criteria: ACMG Guidelines, 2015. Collection method: clinical testing. Allele origin: germline. Affected: no.

Blueprint Genetics
Classification: Likely benign. Last evaluated: 2024-11-05. Review status: criteria provided, single submitter. Criteria: ACMG Guidelines, 2015. Collection method: clinical testing. Allele origin: germline.

Color Diagnostics, LLC DBA Color Health
Classification: Benign for Hereditary cancer-predisposing syndrome. Last evaluated: 2024-09-19. Review status: criteria provided, single submitter. Criteria: ACMG Guidelines, 2015. Collection method: clinical testing. Allele origin: germline.

Myriad Genetics, Inc.
Classification: Likely benign for BAP1-related tumor predisposition syndrome. Last evaluated: 2024-07-17. Review status: criteria provided, single submitter. Criteria: Myriad Autosomal Dominant, Autosomal Recessive and X-Linked Classification Criteria (2023). Collection method: clinical testing. Allele origin: unknown.
Comment: This variant is considered likely benign. Homozygosity has been confirmed in one or more individuals. As homozygosity for pathogenic variants in this gene is generally assumed to result in embryonic lethality, this variant is unlikely to be pathogenic.

KCCC/NGS Laboratory, Kuwait Cancer Control Center
Classification: Benign for Melanoma, uveal, susceptibility to, 2. Last evaluated: 2023-07-07. Review status: criteria provided, single submitter. Criteria: ACMG Guidelines, 2015. Collection method: clinical testing. Allele origin: germline. Affected: yes.

Department of Pathology and Laboratory Medicine, Sinai Health System
Classification: Benign for Melanoma, uveal, susceptibility to, 2; BAP1-related tumor predisposition syndrome; Kury-Isidor syndrome. Last evaluated: 2023-06-12. Review status: criteria provided, single submitter. Criteria: ACMG Guidelines, 2015. Collection method: clinical testing. Allele origin: germline. Affected: yes.

GeneDx
Classification: Benign. Last evaluated: 2021-05-13. Review status: criteria provided, single submitter. Criteria: GeneDx Variant Classification Process June 2021. Collection method: clinical testing. Allele origin: germline. Affected: yes.
Comment: This variant is associated with the following publications: (PMID: 31963394, 24728327, 27181379, 28062663)

Genetic Services Laboratory, University of Chicago
Classification: Benign. Last evaluated: 2019-08-23. Review status: criteria provided, single submitter. Criteria: ACMG Guidelines, 2015. Collection method: clinical testing. Allele origin: germline. Affected: no.

Ambry Genetics
Classification: Benign for Hereditary cancer-predisposing syndrome. Last evaluated: 2018-08-06. Review status: criteria provided, single submitter. Criteria: Ambry Variant Classification Scheme 2023. Collection method: clinical testing. Allele origin: germline.

Breakthrough Genomics
Classification: Likely benign. Review status: criteria provided, single submitter. Criteria: ACMG Guidelines, 2015. Collection method: not provided. Allele origin: germline. Inheritance: Autosomal dominant inheritance. Affected: yes.

PreventionGenetics, part of Exact Sciences
Classification: Benign. Review status: criteria provided, single submitter. Criteria: ACMG Guidelines, 2015. Collection method: clinical testing. Allele origin: germline.

ITMI
No classification provided. Condition: AllHighlyPenetrant. Last evaluated: 2013-09-19. Review status: no classification provided. Collection method: reference population. Allele origin: germline. Not counted in ClinVar's aggregate classification.
Comment: Please see associated publication for description of ethnicities

Literature cited by the submitters: PubMed 24728327 (cited by Quest Diagnostics Nichols Institute San Juan Capistrano and ITMI).

NM_004656.4(BAP1):c.1838C>T (p.Thr613Met)

Gene: BAP1 (BRCA1 associated deubiquitinase 1; minus strand). Cytogenetic location: 3p21.1.
Variant type: single nucleotide variant.
Coding change: c.1838C>T on transcript NM_004656.4 (MANE Select); coding-DNA position 1838, C replaced by T.
Protein change: p.Thr613Met; replaces threonine 613 with methionine.
Molecular consequence: missense variant.
Genome position (GRCh38, 1-based): chr3:52,403,190, G>A on the plus strand (C>T on the coding strand, the complement: BAP1 is on the minus strand). VCF-style: chr3-52403190-G-A. GRCh37 (hg19) VCF-style: chr3-52437206-G-A.
Other names: p.Thr613Met; c.1838C>T (LRG_529t1); short protein forms T613M.
Identifiers: ClinVar variation 133665 (VCV000133665.51), dbSNP rs35448940, ClinGen allele CA157256.